The following is an entry in ClinVar:

ClinVar aggregate classification (germline): Pathogenic (1 of 4 stars; one submission).

Conditions:
Spastic paraplegia. Identifiers: MedGen C0037772, HP:0001258.

Submission:

Labcorp Genetics (formerly Invitae), Labcorp
Classification: Pathogenic for Spastic paraplegia. Last evaluated: 2021-09-06. Review status: criteria provided, single submitter. Criteria: Invitae Variant Classification Sherloc (09022015). Collection method: clinical testing. Allele origin: germline.
Comment: For these reasons, this variant has been classified as Pathogenic. This variant has not been reported in the literature in individuals affected with ZFYVE26-related conditions. This variant is a gross deletion of the genomic region encompassing exon(s) 2-16 of the ZFYVE26 gene, which includes the initiator codon. This deletion extends beyond the assayed region for this gene and therefore may encompass additional genes. It is expected to result in an absent or disrupted protein product. Loss-of-function variants in ZFYVE26 are known to be pathogenic (PMID: 18394578, 19805727).

Literature cited by the submitters: PubMed 18394578; PubMed 19805727.

NC_000014.8:g.(?_68256042)_(68282690_?)del

Gene: ZFYVE26 (zinc finger FYVE-type containing 26; minus strand). Cytogenetic location: 14q24.1.
Variant type: Deletion.
Identifiers: ClinVar variation 1366870 (VCV001366870.4).